The following is an entry in ClinVar:

NM_000530.8(MPZ):c.179A>T (p.Asp60Val)

Gene: MPZ (myelin protein zero; minus strand). Cytogenetic location: 1q23.3.
Variant type: single nucleotide variant.
Coding change: c.179A>T on transcript NM_000530.8 (MANE Select); coding-DNA position 179, A replaced by T.
Protein change: p.Asp60Val; replaces aspartic acid 60 with valine.
Molecular consequence: missense variant.
Genome position (GRCh38, 1-based): chr1:161,307,313, T>A on the plus strand (A>T on the coding strand, the complement: MPZ is on the minus strand). VCF-style: chr1-161307313-T-A. GRCh37 (hg19) VCF-style: chr1-161277103-T-A.
Other names: c.179A>T, p.Asp60Val (NM_001315491.2); short protein forms D60V.
Identifiers: ClinVar variation 1780324 (VCV001780324.2), dbSNP rs2526243461, ClinGen allele CA343350810.
Genomic context (GRCh38, chr1:161,307,313, plus strand): 5'-CTCACCGAAATGGCATCTCTGCCCCCTTCGGGCTGGTAGCGCCAGGTGAAGGAGATGTCA[T>A]CTGAGACCCACTCACTGGACCAGAAGGAGCAGTGCAGGGTCACCCGGGAGCCCACAGCAC-3'
Protein context (NP_000521.2, residues 50-70): CSFWSSEWVS[Asp60Val]DISFTWRYQP

ClinVar aggregate classification (germline): Uncertain significance (1 of 4 stars; one submission).

Conditions:
Inborn genetic diseases. Identifiers: MedGen C0950123, MeSH D030342.

Submission:

Ambry Genetics
Classification: Uncertain significance for Inborn genetic diseases. Last evaluated: 2020-12-09. Review status: criteria provided, single submitter. Criteria: Ambry Variant Classification Scheme 2023. Collection method: clinical testing. Allele origin: germline.
Comment: The p.D60V variant (also known as c.179A>T), located in coding exon 2 of the MPZ gene, results from an A to T substitution at nucleotide position 179. The aspartic acid at codon 60 is replaced by valine, an amino acid with highly dissimilar properties. Another alteration at this position (p.D60H) has been described in a family with Charcot-Marie-Tooth disease, type 2 (Auer-Grumbach M et al. Neurology, 2003 Nov;61:1435-7). This amino acid position is well conserved in available vertebrate species. In addition, the p.D60V alteration is predicted to be tolerated by in silico analysis. Since supporting evidence is limited at this time, the clinical significance of this alteration remains unclear.

Literature cited by the submitters: PubMed 14638973; PubMed 15249646.